The following is an entry in ClinVar:

ClinVar aggregate classification (germline): Conflicting classifications of pathogenicity. Review status: criteria provided, conflicting classifications (1 of 4 stars). 5 submissions from 5 submitters: Likely pathogenic (2); Uncertain significance (3). Last evaluated 2025-10-08.

Conditions:
Hereditary cancer-predisposing syndrome. Also called: Neoplastic Syndromes, Hereditary; Hereditary Cancer Syndrome; Tumor predisposition; Hereditary neoplastic syndrome. Identifiers: Orphanet 140162, MedGen C0027672, MeSH D009386, MONDO:0015356.
Familial cancer of breast. Also called: Hereditary breast cancer; BREAST CANCER, FAMILIAL; hereditary breast carcinoma. Identifiers: Orphanet 227535, MedGen C0346153, MONDO:0016419, OMIM 114480. Disease mechanism: loss of function.
Ataxia-telangiectasia syndrome (AT). Also called: LOUIS-BAR SYNDROME; Cerebello-oculocutaneous telangiectasia; Immunodeficiency with ataxia telangiectasia; Ataxia-telangiectasia, complementation group D; AT, COMPLEMENTATION GROUP C; Ataxia-telangiectasia, complementation group E. Identifiers: Orphanet 100, MedGen C0004135, MONDO:0008840, OMIM 208900.

Submissions (5):

Ambry Genetics
Classification: Uncertain significance for Hereditary cancer-predisposing syndrome. Last evaluated: 2025-10-08. Review status: criteria provided, single submitter. Criteria: Ambry Variant Classification Scheme 2023. Collection method: clinical testing. Allele origin: germline.
Comment: The p.W2109G variant (also known as c.6325T>G), located in coding exon 42 of the ATM gene, results from a T to G substitution at nucleotide position 6325. The tryptophan at codon 2109 is replaced by glycine, an amino acid with highly dissimilar properties. This alteration was reported in the homozygous state in two related individuals with mild, atypical ataxia-telangiectasia (AT). Cellular lysates from patients demonstrated absence of ATM protein expression and autophosphorylation after radiation (Silvestri G et al. J. Neurol., 2010 Oct;257:1738-40). This alteration was also detected together with another ATM missense alteration in an unrelated individual with aytpical AT. In vitro analysis showed normal ATM protein expression level, autophosphorylation and radiosensitivity (Mitui M et al. Hum. Mutat., 2009 Jan;30:12-21). This amino acid position is highly conserved in available vertebrate species. In addition, this alteration is predicted to be deleterious by in silico analysis. Based on the available evidence, the clinical significance of this variant remains unclear.

Labcorp Genetics (formerly Invitae), Labcorp
Classification: Uncertain significance for Ataxia-telangiectasia syndrome. Last evaluated: 2024-02-26. Review status: criteria provided, single submitter. Criteria: Invitae Variant Classification Sherloc (09022015). Collection method: clinical testing. Allele origin: germline.
Comment: This sequence change replaces tryptophan, which is neutral and slightly polar, with glycine, which is neutral and non-polar, at codon 2109 of the ATM protein (p.Trp2109Gly). This variant is not present in population databases (gnomAD no frequency). This missense change has been observed in individuals with ataxia-telangiectasia (PMID: 18634022, 20480175). ClinVar contains an entry for this variant (Variation ID: 407649). An algorithm developed to predict the effect of missense changes on protein structure and function (PolyPhen-2) suggests that this variant is likely to be disruptive. Experimental studies have shown that this missense change does not substantially affect ATM function (PMID: 18634022). In summary, the available evidence is currently insufficient to determine the role of this variant in disease. Therefore, it has been classified as a Variant of Uncertain Significance.

GeneDx
Classification: Likely pathogenic. Last evaluated: 2024-02-11. Review status: criteria provided, single submitter. Criteria: GeneDx Variant Classification Process June 2021. Collection method: clinical testing. Allele origin: germline. Affected: yes.
Comment: Observed in the compound heterozygous and homozygous state in patients with atypical ataxia telangiectasia referred for genetic testing at GeneDx and in published literature (PMID: 18634022, 20480175); Published functional studies are conflicting with respect to effect on ATM protein levels and kinase activity (PMID: 18634022, 20480175); In silico analysis supports that this missense variant has a deleterious effect on protein structure/function; Not observed at significant frequency in large population cohorts (gnomAD); This variant is associated with the following publications: (PMID: 18634022, 30504431, 25122203, 23632773, 23509889, 27181190, 20480175, 23532176)

Baylor Genetics
Classification: Likely pathogenic for Familial cancer of breast. Last evaluated: 2023-09-23. Review status: criteria provided, single submitter. Criteria: ACMG Guidelines, 2015. Collection method: clinical testing. Allele origin: unknown.

Color Diagnostics, LLC DBA Color Health
Classification: Uncertain significance for Hereditary cancer-predisposing syndrome. Last evaluated: 2022-04-12. Review status: criteria provided, single submitter. Criteria: ACMG Guidelines, 2015. Collection method: clinical testing. Allele origin: germline.
Comment: This missense variant replaces tryptophan with glycine at codon 2109 of the ATM protein. Computational prediction suggests that this variant may have deleterious impact on protein structure and function. Functional studies have conflicting reports of variant impact on protein kinase activity (PMID: 18634022, 20480175). This variant has been reported in the compound heterozygous state in individuals with clinical symptoms of ataxia-telangiectasia (PMID: 18634022, 20480175). This variant has not been identified in the general population by the Genome Aggregation Database (gnomAD). The available evidence is insufficient to determine the role of this variant in disease conclusively. Therefore, this variant is classified as a Variant of Uncertain Significance.

Literature cited by the submitters: PubMed 18634022 (cited by 3 submitters); PubMed 20480175 (cited by 3 submitters); PubMed 22213089 (cited by Ambry Genetics); PubMed 23632773 (cited by Ambry Genetics); PubMed 25122203 (cited by Ambry Genetics).

NM_000051.4(ATM):c.6325T>G (p.Trp2109Gly)

Genes: ATM (ATM serine/threonine kinase; plus strand), C11orf65 (chromosome 11 open reading frame 65; minus strand). Cytogenetic location: 11q22.3.
Variant type: single nucleotide variant.
Coding change: c.6325T>G on transcript NM_000051.4 (MANE Select); coding-DNA position 6325, T replaced by G.
Protein change: p.Trp2109Gly; replaces tryptophan 2109 with glycine.
Molecular consequence: missense variant. On other transcripts: intron variant (2).
Genome position (GRCh38, 1-based): chr11:108,317,499, T>G. VCF-style: chr11-108317499-T-G. GRCh37 (hg19) VCF-style: chr11-108188226-T-G.
Other names: c.6325T>G, p.Trp2109Gly (NM_001351834.2); c.641-8428A>C (NM_001330368.2); c.*39-8428A>C (NM_001351110.2); short protein forms W2109G.
Identifiers: ClinVar variation 407649 (VCV000407649.62), dbSNP rs1060501654, ClinGen allele CA16613408.
Genomic context (GRCh38, chr11:108,317,499, plus strand): 5'-AAAGACTGGTGTCCTGAACTAGAAGAACTTCATTACCAAGCAGCATGGAGGAATATGCAG[T>G]GGGACCATTGCACTTCCGTCAGGTAAGAAATTTGACTTGATTTTTTTTTTTTTGCCTCTC-3'
Protein context (NP_000042.3, residues 2099-2119): HYQAAWRNMQ[Trp2109Gly]DHCTSVSKEV